The following is an entry in ClinVar:

NM_000302.4(PLOD1):c.86T>A (p.Leu29Ter)

Gene: PLOD1 (procollagen-lysine,2-oxoglutarate 5-dioxygenase 1; plus strand). Cytogenetic location: 1p36.22.
Variant type: single nucleotide variant.
Coding change: c.86T>A on transcript NM_000302.4 (MANE Select); coding-DNA position 86, T replaced by A.
Protein change: p.Leu29Ter; replaces leucine 29 with a stop codon.
Molecular consequence: nonsense.
Genome position (GRCh38, 1-based): chr1:11,947,985, T>A. VCF-style: chr1-11947985-T-A. GRCh37 (hg19) VCF-style: chr1-12008042-T-A.
Other names: c.227T>A, p.Leu76Ter (NM_001316320.2); short protein forms L29*, L76*.
Identifiers: ClinVar variation 2849163 (VCV002849163.3), dbSNP rs766724096, ClinGen allele CA338425045.

ClinVar aggregate classification (germline): Pathogenic (1 of 4 stars; one submission).

Conditions:
Ehlers-Danlos syndrome, kyphoscoliotic type 1 (EDSKSCL1). Also called: EHLERS-DANLOS SYNDROME, OCULAR-SCOLIOTIC TYPE; Ehlers-Danlos syndrome, hydroxylysine-deficient; EHLERS-DANLOS SYNDROME, TYPE VIA; PLOD1-Related Kyphoscoliotic Ehlers-Danlos Syndrome. Identifiers: Orphanet 1900, MedGen C0268342, MONDO:0016002, OMIM 225400. Disease mechanism: loss of function.

gnomAD v4.1: 1 of 1,610,628 alleles (0.000062%); highest among the groups gnomAD compares: Non-Finnish European, 0.000085%; no homozygotes.

Submission:

Labcorp Genetics (formerly Invitae), Labcorp
Classification: Pathogenic for Ehlers-Danlos syndrome, kyphoscoliotic type 1. Last evaluated: 2024-07-23. Review status: criteria provided, single submitter. Criteria: Invitae Variant Classification Sherloc (09022015). Collection method: clinical testing. Allele origin: germline.
Comment: This sequence change creates a premature translational stop signal (p.Leu29*) in the PLOD1 gene. It is expected to result in an absent or disrupted protein product. Loss-of-function variants in PLOD1 are known to be pathogenic (PMID: 10874315, 21699693). This variant is not present in population databases (gnomAD no frequency). This variant has not been reported in the literature in individuals affected with PLOD1-related conditions. For these reasons, this variant has been classified as Pathogenic.

Literature cited by the submitters: PubMed 10874315; PubMed 21699693.